The following is an entry in ClinVar:

ClinVar aggregate classification (germline): Uncertain significance (1 of 4 stars; one submission).

Submission:

Genetic Services Laboratory, University of Chicago
Classification: Uncertain significance. Last evaluated: 2020-05-27. Review status: criteria provided, single submitter. Criteria: ACMG Guidelines, 2015. Collection method: clinical testing. Allele origin: germline. Affected: no.
Comment: DNA sequence analysis of the WASHC4 gene demonstrated a 3 base pair deletion in exon 26, c.2701_2703del. This in-frame deletion is predicted to result in the deletion of a single amino acid residue, p.Val901del. This sequence change does not appear to have been previously described in patients with WASHC4-related disorders and has been described in the gnomAD database with a low population frequency of 0.0036% (dbSNP rs759197737). The functional significance of this sequence change is not known at present and its contribution to this patient's disease phenotype cannot definitively be determined.

NM_015275.3(WASHC4):c.2701_2703del (p.Val901del)

Gene: WASHC4 (WASH complex subunit 4; plus strand). Cytogenetic location: 12q23.3.
Variant type: Deletion.
Coding change: c.2701_2703del on transcript NM_015275.3 (MANE Select); coding-DNA positions 2701 to 2703, 3 bases deleted (GTA; older notation c.2701_2703delGTA).
Protein change: p.Val901del; deletes valine 901.
Molecular consequence: inframe deletion.
Genome position (GRCh38, 1-based): chr12:105,152,394-105,152,396, GTA deleted; deleting any 3 consecutive bases within chr12:105,152,393-105,152,396 gives the same sequence; the c. name uses the placement nearest the transcript's 3' end. VCF-style (leftmost placement, unchanged base first): chr12-105152392-GAGT-G. GRCh37 (hg19) VCF-style: chr12-105546170-GAGT-G.
Other names: c.2704_2706del, p.Val902del (NM_001293640.2); short protein forms V901del, V902del.
Identifiers: ClinVar variation 1336081 (VCV001336081.4), dbSNP rs759197737, ClinGen allele CA6759017.